The following is an entry in ClinVar:

ClinVar aggregate classification (germline): Pathogenic (1 of 4 stars; one submission).

Submission:

CeGaT Center for Human Genetics Tuebingen
Classification: Pathogenic. Last evaluated: 2024-01-01. Review status: criteria provided, single submitter. Criteria: CeGaT Center For Human Genetics Tuebingen Variant Classification Criteria Version 2. Collection method: clinical testing. Allele origin: germline. Affected: yes. Observed: 1 variant allele.
Comment: RPL5: PVS1, PM2

NM_000969.5(RPL5):c.516dup (p.Ile173fs)

Genes: DIPK1A (divergent protein kinase domain 1A; minus strand), RPL5 (ribosomal protein L5; plus strand). Cytogenetic location: 1p22.1.
Variant type: Duplication.
Coding change: c.516dup on transcript NM_000969.5 (MANE Select); coding-DNA position 516, one base duplicated (T; older notation c.516dupT).
Protein change: p.Ile173fs; shifts the reading frame from isoleucine 173.
Molecular consequence: frameshift variant. On other transcripts: non-coding transcript variant (1), intron variant (1).
Genome position (GRCh38, 1-based): chr1:92,836,381, T duplicated. VCF-style (leftmost placement, unchanged base first): chr1-92836380-C-CT. GRCh37 (hg19) VCF-style: chr1-93301937-C-CT.
Other names: c.475-3347dup (NM_001252273.2); short protein forms I173fs.
Identifiers: ClinVar variation 3026911 (VCV003026911.20), dbSNP rs2524458104, ClinGen allele CA2740090793.